The following is an entry in ClinVar:

ClinVar aggregate classification (germline): Likely benign. Review status: criteria provided, single submitter (1 of 4 stars). 2 submissions from 2 submitters: Likely benign (1). 1 of the submissions does not count toward it. Last evaluated 2024-01-31.

Conditions:
LAMA3-related disorder. Also called: LAMA3-related condition; LAMA3-related disorders.

Allele frequency attached by ClinVar (database versions not stated): gnomAD 0.00004; gnomAD exomes 0.00011 and 0.00021; ExAC 0.00021.
gnomAD v4.1: 168 of 1,613,998 alleles (0.01%); highest among the groups gnomAD compares: South Asian, 0.18%; 2 homozygotes.

Submissions (2):

Labcorp Genetics (formerly Invitae), Labcorp
Classification: Likely benign. Last evaluated: 2024-01-31. Review status: criteria provided, single submitter. Criteria: Invitae Variant Classification Sherloc (09022015). Collection method: clinical testing. Allele origin: germline.

PreventionGenetics, part of Exact Sciences
Classification: Likely benign for LAMA3-related condition. Last evaluated: 2019-05-28. Review status: no assertion criteria provided. Collection method: clinical testing. Allele origin: germline. Not counted in ClinVar's aggregate classification.
Comment: This variant is classified as likely benign based on ACMG/AMP sequence variant interpretation guidelines (Richards et al. 2015 PMID: 25741868, with internal and published modifications).

NM_198129.4(LAMA3):c.8676T>C (p.Phe2892=)

Gene: LAMA3 (laminin subunit alpha 3; plus strand). Cytogenetic location: 18q11.2.
Variant type: single nucleotide variant.
Coding change: c.8676T>C on transcript NM_198129.4 (MANE Select); coding-DNA position 8676, T replaced by C.
Protein change: p.Phe2892=; no amino-acid change (phenylalanine 2892 retained).
Molecular consequence: synonymous variant.
Genome position (GRCh38, 1-based): chr18:23,932,259, T>C. VCF-style: chr18-23932259-T-C. GRCh37 (hg19) VCF-style: chr18-21512223-T-C.
Other names: c.3849T>C (NM_000227.4); c.3849T>C, p.Phe1283= (NM_000227.6); c.8508T>C, p.Phe2836= (NM_001127717.4); c.3681T>C, p.Phe1227= (NM_001127718.4).
Identifiers: ClinVar variation 1083257 (VCV001083257.11), dbSNP rs764132545, ClinGen allele CA8916984.